The following is an entry in ClinVar:

NM_000829.4(GRIA4):c.1326G>A (p.Lys442=)

Gene: GRIA4 (glutamate ionotropic receptor AMPA type subunit 4; plus strand). Cytogenetic location: 11q22.3.
Variant type: single nucleotide variant.
Coding change: c.1326G>A on transcript NM_000829.4 (MANE Select); coding-DNA position 1326, G replaced by A.
Protein change: p.Lys442=; no amino-acid change (lysine 442 retained).
Molecular consequence: synonymous variant. On other transcripts: non-coding transcript variant (1).
Genome position (GRCh38, 1-based): chr11:105,918,768, G>A. VCF-style: chr11-105918768-G-A. GRCh37 (hg19) VCF-style: chr11-105789494-G-A.
Other names: c.1326G>A, p.Lys442= (NM_001077243.3).
Identifiers: ClinVar variation 3035877 (VCV003035877.7), dbSNP rs769074193, ClinGen allele CA6258652.

ClinVar aggregate classification (germline): Likely benign. Review status: criteria provided, multiple submitters, no conflicts (2 of 4 stars). 3 submissions from 3 submitters: Likely benign (2). 1 of the submissions does not count toward it. Last evaluated 2026-02-01.

Conditions:
GRIA4-related disorder. Also called: GRIA4-related condition.

Allele frequency attached by ClinVar (database versions not stated): gnomAD exomes 0.00002; TOPMed 0.00003; ExAC 0.00005; gnomAD 0.00005.
gnomAD v4.1: 36 of 1,598,058 alleles (0.0023%); highest among the groups gnomAD compares: Non-Finnish European, 0.0028%; no homozygotes.

Submissions (3):

CeGaT Center for Human Genetics Tuebingen
Classification: Likely benign. Last evaluated: 2026-02-01. Review status: criteria provided, single submitter. Criteria: CeGaT Center For Human Genetics Tuebingen Variant Classification Criteria Version 2. Collection method: clinical testing. Allele origin: germline. Affected: yes. Observed: 1 variant allele.
Comment: GRIA4: BP4, BP7

Blueprint Genetics
Classification: Likely benign. Last evaluated: 2024-02-19. Review status: criteria provided, single submitter. Criteria: ACMG Guidelines, 2015. Collection method: clinical testing. Allele origin: germline.

PreventionGenetics, part of Exact Sciences
Classification: Likely benign for GRIA4-related condition. Last evaluated: 2019-08-06. Review status: no assertion criteria provided. Collection method: clinical testing. Allele origin: germline. Not counted in ClinVar's aggregate classification.
Comment: This variant is classified as likely benign based on ACMG/AMP sequence variant interpretation guidelines (Richards et al. 2015 PMID: 25741868, with internal and published modifications).